The following is an entry in ClinVar:

ClinVar aggregate classification (germline): Uncertain significance. Review status: criteria provided, multiple submitters, no conflicts (2 of 4 stars). 2 submissions from 2 submitters: Uncertain significance (2). Last evaluated 2021-07-11.

Conditions:
Ataxia-telangiectasia syndrome (AT). Also called: ATAXIA-TELANGIECTASIA, COMPLEMENTATION GROUP A; ATAXIA-TELANGIECTASIA, FRESNO VARIANT; LOUIS-BAR SYNDROME; Ataxia-telangiectasia; Cerebello-oculocutaneous telangiectasia; Immunodeficiency with ataxia telangiectasia. Identifiers: Orphanet 100, MedGen C0004135, MONDO:0008840, OMIM 208900.
Hereditary cancer-predisposing syndrome. Also called: Hereditary neoplastic syndrome; Tumor predisposition; Neoplastic Syndromes, Hereditary; Hereditary Cancer Syndrome. Identifiers: Orphanet 140162, MedGen C0027672, MeSH D009386, MONDO:0015356.

Allele frequency attached by ClinVar (database versions not stated): gnomAD exomes below 0.00001.
gnomAD v4.1: 1 of 1,614,048 alleles (0.000062%); highest among the groups gnomAD compares: South Asian, 0.0011%; no homozygotes.

Submissions (2):

Labcorp Genetics (formerly Invitae), Labcorp
Classification: Uncertain significance for Ataxia-telangiectasia syndrome. Last evaluated: 2021-07-11. Review status: criteria provided, single submitter. Criteria: Invitae Variant Classification Sherloc (09022015). Collection method: clinical testing. Allele origin: germline.
Comment: This sequence change replaces arginine with serine at codon 772 of the ATM protein (p.Arg772Ser). The arginine residue is weakly conserved and there is a moderate physicochemical difference between arginine and serine. This variant is not present in population databases (ExAC no frequency). This variant has not been reported in the literature in individuals affected with ATM-related conditions. Advanced modeling of protein sequence and biophysical properties (such as structural, functional, and spatial information, amino acid conservation, physicochemical variation, residue mobility, and thermodynamic stability) performed at Invitae indicates that this missense variant is not expected to disrupt ATM protein function. In summary, the available evidence is currently insufficient to determine the role of this variant in disease. Therefore, it has been classified as a Variant of Uncertain Significance.

Ambry Genetics
Classification: Uncertain significance for Hereditary cancer-predisposing syndrome. Last evaluated: 2021-06-10. Review status: criteria provided, single submitter. Criteria: Ambry Variant Classification Scheme 2023. Collection method: clinical testing. Allele origin: germline.
Comment: The p.R772S variant (also known as c.2316A>C), located in coding exon 14 of the ATM gene, results from an A to C substitution at nucleotide position 2316. The arginine at codon 772 is replaced by serine, an amino acid with dissimilar properties. This amino acid position is not well conserved in available vertebrate species. In addition, this alteration is predicted to be tolerated by in silico analysis. Since supporting evidence is limited at this time, the clinical significance of this alteration remains unclear.

NM_000051.4(ATM):c.2316A>C (p.Arg772Ser)

Gene: ATM (ATM serine/threonine kinase; plus strand). Cytogenetic location: 11q22.3.
Variant type: single nucleotide variant.
Coding change: c.2316A>C on transcript NM_000051.4 (MANE Select); coding-DNA position 2316, A replaced by C.
Protein change: p.Arg772Ser; replaces arginine 772 with serine.
Molecular consequence: missense variant.
Genome position (GRCh38, 1-based): chr11:108,257,546, A>C. VCF-style: chr11-108257546-A-C. GRCh37 (hg19) VCF-style: chr11-108128273-A-C.
Other names: c.2316A>C, p.Arg772Ser (NM_001351834.2); short protein forms R772S.
Identifiers: ClinVar variation 1474156 (VCV001474156.10), dbSNP rs2135407049, ClinGen allele CA382539920.